The following is an entry in ClinVar:

ClinVar aggregate classification (germline): Uncertain significance (1 of 4 stars; one submission).

Conditions:
Epileptic encephalopathy. Identifiers: MedGen C0543888, HP:0200134.

Allele frequency attached by ClinVar (database versions not stated): TOPMed below 0.00001; gnomAD 0.00001.
gnomAD v4.1: 2 of 1,613,894 alleles (0.00012%); highest among the groups gnomAD compares: Admixed American, 0.0017%; no homozygotes.

Submission:

Labcorp Genetics (formerly Invitae), Labcorp
Classification: Uncertain significance for Epileptic encephalopathy. Last evaluated: 2024-02-24. Review status: criteria provided, single submitter. Criteria: Invitae Variant Classification Sherloc (09022015). Collection method: clinical testing. Allele origin: germline.
Comment: This sequence change replaces methionine, which is neutral and non-polar, with valine, which is neutral and non-polar, at codon 3973 of the RYR3 protein (p.Met3973Val). This variant is not present in population databases (gnomAD no frequency). This variant has not been reported in the literature in individuals affected with RYR3-related conditions. ClinVar contains an entry for this variant (Variation ID: 956912). Advanced modeling of protein sequence and biophysical properties (such as structural, functional, and spatial information, amino acid conservation, physicochemical variation, residue mobility, and thermodynamic stability) performed at Invitae indicates that this missense variant is not expected to disrupt RYR3 protein function with a negative predictive value of 80%. In summary, the available evidence is currently insufficient to determine the role of this variant in disease. Therefore, it has been classified as a Variant of Uncertain Significance.

NM_001036.6(RYR3):c.11917A>G (p.Met3973Val)

Gene: RYR3 (ryanodine receptor 3; plus strand). Cytogenetic location: 15q14.
Variant type: single nucleotide variant.
Coding change: c.11917A>G on transcript NM_001036.6 (MANE Select); coding-DNA position 11917, A replaced by G.
Protein change: p.Met3973Val; replaces methionine 3973 with valine.
Molecular consequence: missense variant.
Genome position (GRCh38, 1-based): chr15:33,837,897, A>G. VCF-style: chr15-33837897-A-G. GRCh37 (hg19) VCF-style: chr15-34130098-A-G.
Other names: c.11902A>G, p.Met3968Val (NM_001243996.4); short protein forms M3968V, M3973V.
Identifiers: ClinVar variation 956912 (VCV000956912.9), dbSNP rs201327770, ClinGen allele CA391593119.